The following is an entry in ClinVar:

ClinVar aggregate classification (germline): Pathogenic (1 of 4 stars; one submission).

Conditions:
Aortic aneurysm, familial thoracic 4 (AAT4). Also called: AORTIC ANEURYSM/AORTIC DISSECTION AND PATENT DUCTUS ARTERIOSUS. Identifiers: MedGen C1851504, MONDO:0007568, OMIM 132900.

Submission:

Labcorp Genetics (formerly Invitae), Labcorp
Classification: Pathogenic for Aortic aneurysm, familial thoracic 4. Last evaluated: 2025-08-20. Review status: criteria provided, single submitter. Criteria: Invitae Variant Classification Sherloc (09022015). Collection method: clinical testing. Allele origin: germline.
Comment: This sequence change creates a premature translational stop signal (p.Gln167*) in the MYH11 gene. It is expected to result in an absent or disrupted protein product. Loss-of-function variants in MYH11 are known to be pathogenic (PMID: 25407000, 29575632). This variant is not present in population databases (gnomAD no frequency). This variant has not been reported in the literature in individuals affected with MYH11-related conditions. For these reasons, this variant has been classified as Pathogenic.

Literature cited by the submitters: PubMed 25407000; PubMed 29575632.

NM_002474.3(MYH11):c.499C>T (p.Gln167Ter)

Gene: MYH11 (myosin heavy chain 11; minus strand). Cytogenetic location: 16p13.11.
Variant type: single nucleotide variant.
Coding change: c.499C>T on transcript NM_002474.3 (MANE Select); coding-DNA position 499, C replaced by T.
Protein change: p.Gln167Ter; replaces glutamine 167 with a stop codon.
Molecular consequence: nonsense.
Genome position (GRCh38, 1-based): chr16:15,823,258, G>A on the plus strand (C>T on the coding strand, the complement: MYH11 is on the minus strand). VCF-style: chr16-15823258-G-A. GRCh37 (hg19) VCF-style: chr16-15917115-G-A.
Other names: c.499C>T, p.Gln167Ter (NM_001040113.2, NM_001040114.2, NM_022844.3); short protein forms Q167*.
Identifiers: ClinVar variation 4798407 (VCV004798407.1).